The following is an entry in ClinVar:

ClinVar aggregate classification (germline): Conflicting classifications of pathogenicity. Review status: criteria provided, conflicting classifications (1 of 4 stars). 4 submissions from 4 submitters: Uncertain significance (3); Benign (1). Last evaluated 2025-09-09.

Conditions:
Hereditary cancer-predisposing syndrome. Also called: Tumor predisposition; Hereditary Cancer Syndrome; Hereditary neoplastic syndrome; Neoplastic Syndromes, Hereditary. Identifiers: Orphanet 140162, MedGen C0027672, MeSH D009386, MONDO:0015356.
Familial adenomatous polyposis 2. Also called: FAP type 2; MUTYH Polyposis; COLORECTAL ADENOMATOUS POLYPOSIS, AUTOSOMAL RECESSIVE; ADENOMAS, MULTIPLE COLORECTAL, AUTOSOMAL RECESSIVE; MUTYH-associated polyposis; MUTYH-related attenuated familial adenomatous polyposis. Identifiers: Orphanet 220460, Orphanet 247798, MedGen C3272841, MONDO:0012041, OMIM 608456.

Submissions (4):

Ambry Genetics
Classification: Benign for Hereditary cancer-predisposing syndrome. Last evaluated: 2025-09-09. Review status: criteria provided, single submitter. Criteria: Ambry Variant Classification Scheme 2023. Collection method: clinical testing. Allele origin: germline.

Labcorp Genetics (formerly Invitae), Labcorp
Classification: Uncertain significance for Familial adenomatous polyposis 2. Last evaluated: 2025-08-30. Review status: criteria provided, single submitter. Criteria: Invitae Variant Classification Sherloc (09022015). Collection method: clinical testing. Allele origin: germline.
Comment: This sequence change replaces methionine, which is neutral and non-polar, with isoleucine, which is neutral and non-polar, at codon 524 of the MUTYH protein (p.Met524Ile). This variant is not present in population databases (gnomAD no frequency). This variant has not been reported in the literature in individuals affected with MUTYH-related conditions. ClinVar contains an entry for this variant (Variation ID: 819558). An algorithm developed to predict the effect of missense changes on protein structure and function (PolyPhen-2) suggests that this variant is likely to be tolerated. In summary, the available evidence is currently insufficient to determine the role of this variant in disease. Therefore, it has been classified as a Variant of Uncertain Significance.

All of Us Research Program, National Institutes of Health
Classification: Uncertain significance for Familial adenomatous polyposis 2. Last evaluated: 2024-07-20. Review status: criteria provided, single submitter. Criteria: ACMG Guidelines, 2015. Collection method: clinical testing. Allele origin: germline. Inheritance: Autosomal recessive inheritance. Observed: 1 variant allele, 1 heterozygote.
Comment: This missense variant replaces methionine with isoleucine at codon 524 of the MUTYH protein. Computational prediction suggests that this variant may not impact protein structure and function (internally defined REVEL score threshold <= 0.5, PMID: 27666373). To our knowledge, functional studies have not been reported for this variant. This variant has not been reported in individuals affected with hereditary cancer in the literature. This variant has not been identified in the general population by the Genome Aggregation Database (gnomAD). The available evidence is insufficient to determine the role of this variant in disease conclusively. Therefore, this variant is classified as a Variant of Uncertain Significance.

This study involves interpretation of variants in research participants for the purpose of population health screening. Participant phenotype was not available at the time of variant classification. Additional details can be found in publication PMID: 35346344, PMCID: PMC8962531

Color Diagnostics, LLC DBA Color Health
Classification: Uncertain significance for Hereditary cancer-predisposing syndrome. Last evaluated: 2024-03-06. Review status: criteria provided, single submitter. Criteria: ACMG Guidelines, 2015. Collection method: clinical testing. Allele origin: germline.
Comment: This missense variant replaces methionine with isoleucine at codon 524 of the MUTYH protein. Computational prediction suggests that this variant may not impact protein structure and function (internally defined REVEL score threshold <= 0.5, PMID: 27666373). To our knowledge, functional studies have not been reported for this variant. This variant has not been reported in individuals affected with hereditary cancer in the literature. This variant has not been identified in the general population by the Genome Aggregation Database (gnomAD). The available evidence is insufficient to determine the role of this variant in disease conclusively. Therefore, this variant is classified as a Variant of Uncertain Significance.

NM_001048174.2(MUTYH):c.1488G>A (p.Met496Ile)

Gene: MUTYH (mutY DNA glycosylase; minus strand). Cytogenetic location: 1p34.1.
Variant type: single nucleotide variant.
Coding change: c.1488G>A on transcript NM_001048174.2 (MANE Select); coding-DNA position 1488, G replaced by A.
Protein change: p.Met496Ile; replaces methionine 496 with isoleucine.
Molecular consequence: missense variant. On other transcripts: non-coding transcript variant (2).
Genome position (GRCh38, 1-based): chr1:45,329,384, C>T on the plus strand (G>A on the coding strand, the complement: MUTYH is on the minus strand). VCF-style: chr1-45329384-C-T. GRCh37 (hg19) VCF-style: chr1-45795056-C-T.
Other names: c.1488G>A, p.Met496Ile (NM_001048171.2, NM_001048173.2, NM_001293195.2); c.1491G>A, p.Met497Ile (NM_001048172.2); c.1572G>A, p.Met524Ile (NM_001128425.2); c.1533G>A, p.Met511Ile (NM_001293190.2); c.1521G>A, p.Met507Ile (NM_001293191.2); c.1212G>A, p.Met404Ile (NM_001293192.2, NM_001293196.2); c.1143G>A, p.Met381Ile (NM_001350650.2, NM_001350651.2); c.1563G>A, p.Met521Ile (NM_012222.3); short protein forms M381I, M404I, M496I, M497I, M507I, M524I, M511I, M521I.
Identifiers: ClinVar variation 819558 (VCV000819558.16), dbSNP rs1570312735, ClinGen allele CA340131749.
Genomic context (GRCh38, chr1:45,329,384, plus strand): 5'-GAGGCTGTGTGCATCAGTGGAGATGTGAGACCGAAAGAAATTATCCAGGACTTGCTGGCC[C>T]ATGCGGGGCTTTTTCCGACTGCACGGAGAGGACACCTGGGACCTTTTGGAACCCTGTGAA-3'
Protein context (NP_001041639.1, residues 486-506): SSPCSRKKPR[Met496Ile]GQQVLDNFFR